The following is an entry in ClinVar:

NM_013275.6(ANKRD11):c.5604A>T (p.Pro1868=)

Gene: ANKRD11 (ankyrin repeat domain 11; minus strand). Cytogenetic location: 16q24.3.
Variant type: single nucleotide variant.
Coding change: c.5604A>T on transcript NM_013275.6 (MANE Select); coding-DNA position 5604, A replaced by T.
Protein change: p.Pro1868=; no amino-acid change (proline 1868 retained).
Molecular consequence: synonymous variant.
Genome position (GRCh38, 1-based): chr16:89,280,938, T>A on the plus strand (A>T on the coding strand, the complement: ANKRD11 is on the minus strand). VCF-style: chr16-89280938-T-A. GRCh37 (hg19) VCF-style: chr16-89347346-T-A.
Other names: c.5604A>T, p.Pro1868= (NM_001256182.2, NM_001256183.2).
Identifiers: ClinVar variation 2647065 (VCV002647065.24), dbSNP rs756414317, ClinGen allele CA8241781.
Genomic context (GRCh38, chr16:89,280,938, plus strand): 5'-TGCTTGTAAACTTGAGAAGACGCCCTCTGGAGACGGGGTGACAGTGACAACGGCAGCCGG[T>A]GGGCAGTGCAAAGCGTCGACTTTGGGCGACGGGAGGCCATAGTCTGGGGAGTAGTACCCT-3'
Protein context (NP_037407.4, residues 1858-1878): PSPKVDALHC[Pro1868=]PAAVVTVTPS

ClinVar aggregate classification (germline): Likely benign (1 of 4 stars; one submission).

Allele frequency attached by ClinVar (database versions not stated): gnomAD 0.00002; TOPMed 0.00002; ExAC 0.00003; gnomAD exomes 0.00003.
gnomAD v4.1: 38 of 1,589,268 alleles (0.0024%); highest among the groups gnomAD compares: Non-Finnish European, 0.0033%; no homozygotes.

Submission:

CeGaT Center for Human Genetics Tuebingen
Classification: Likely benign. Last evaluated: 2022-10-01. Review status: criteria provided, single submitter. Criteria: CeGaT Center For Human Genetics Tuebingen Variant Classification Criteria Version 2. Collection method: clinical testing. Allele origin: germline. Affected: yes. Observed: 1 variant allele.
Comment: ANKRD11: BP4, BP7